The following is an entry in ClinVar:

ClinVar aggregate classification (germline): Uncertain significance (1 of 4 stars; one submission).

Conditions:
Congenital myopathy with internal nuclei and atypical cores. Also called: Myopathy, centronuclear, 4. Identifiers: Orphanet 319160, MedGen C4707232, MONDO:0013890, OMIM 614807.

Submission:

Labcorp Genetics (formerly Invitae), Labcorp
Classification: Uncertain significance for Congenital myopathy with internal nuclei and atypical cores. Last evaluated: 2023-12-10. Review status: criteria provided, single submitter. Criteria: Invitae Variant Classification Sherloc (09022015). Collection method: clinical testing. Allele origin: germline.
Comment: This sequence change replaces arginine, which is basic and polar, with leucine, which is neutral and non-polar, at codon 223 of the CCDC78 protein (p.Arg223Leu). This variant is present in population databases (no rsID available, gnomAD 0.006%). This variant has not been reported in the literature in individuals affected with CCDC78-related conditions. Advanced modeling of protein sequence and biophysical properties (such as structural, functional, and spatial information, amino acid conservation, physicochemical variation, residue mobility, and thermodynamic stability) performed at Invitae indicates that this missense variant is not expected to disrupt CCDC78 protein function with a negative predictive value of 80%. In summary, the available evidence is currently insufficient to determine the role of this variant in disease. Therefore, it has been classified as a Variant of Uncertain Significance.

NM_001378030.1(CCDC78):c.668G>T (p.Arg223Leu)

Gene: CCDC78 (coiled-coil domain containing 78; minus strand). Cytogenetic location: 16p13.3.
Variant type: single nucleotide variant.
Coding change: c.668G>T on transcript NM_001378030.1 (MANE Select); coding-DNA position 668, G replaced by T.
Protein change: p.Arg223Leu; replaces arginine 223 with leucine.
Molecular consequence: missense variant. On other transcripts: non-coding transcript variant (5), intron variant (1).
Genome position (GRCh38, 1-based): chr16:724,778, C>A on the plus strand (G>T on the coding strand, the complement: CCDC78 is on the minus strand). VCF-style: chr16-724778-C-A. GRCh37 (hg19) VCF-style: chr16-774778-C-A.
Other names: c.668G>T, p.Arg223Leu (NM_001031737.3, NM_001378031.1); c.199-269G>T (NM_001378033.1); short protein forms R223L.
Identifiers: ClinVar variation 2790259 (VCV002790259.3), dbSNP rs373278585, ClinGen allele CA394101540.